The following is an entry in ClinVar:

ClinVar aggregate classification (germline): Likely pathogenic (1 of 4 stars; one submission).

Conditions:
Saldino-Mainzer syndrome (SRTD9). Also called: CONORENAL SYNDROME; Renal dysplasia, retinal pigmentary dystrophy, cerebellar ataxia and skeletal dysplasia; SHORT-RIB THORACIC DYSPLASIA 9 WITHOUT POLYDACTYLY; short-rib thoracic dysplasia 9 with or without polydactyly. Identifiers: Orphanet 140969, MedGen C1849437, MONDO:0009964, OMIM 266920.

Submission:

Labcorp Genetics (formerly Invitae), Labcorp
Classification: Likely pathogenic for Saldino-Mainzer syndrome. Last evaluated: 2025-04-16. Review status: criteria provided, single submitter. Criteria: Invitae Variant Classification Sherloc (09022015). Collection method: clinical testing. Allele origin: germline.
Comment: This sequence change affects a donor splice site in intron 23 of the IFT140 gene. It is expected to disrupt RNA splicing. Variants that disrupt the donor or acceptor splice site typically lead to a loss of protein function (PMID: 16199547), and loss-of-function variants in IFT140 are known to be pathogenic (PMID: 22503633, 23418020, 24009529, 26216056). This variant is not present in population databases (gnomAD no frequency). Disruption of this splice site has been observed in individual(s) with IFT140-related conditions (internal data). ClinVar contains an entry for this variant (Variation ID: 2028104). Algorithms developed to predict the effect of sequence changes on RNA splicing suggest that this variant may disrupt the consensus splice site. In summary, the currently available evidence indicates that the variant is pathogenic, but additional data are needed to prove that conclusively. Therefore, this variant has been classified as Likely Pathogenic.

Literature cited by the submitters: PubMed 16199547; PubMed 22503633; PubMed 23418020; PubMed 24009529; PubMed 26216056.

NM_014714.4(IFT140):c.2997+1G>C

Genes: IFT140 (intraflagellar transport 140; minus strand), LOC126862260 (CDK7 strongly-dependent group 2 enhancer GRCh37_chr16:1574508-1575707; plus strand). Cytogenetic location: 16p13.3.
Variant type: single nucleotide variant.
Coding change: c.2997+1G>C on transcript NM_014714.4 (MANE Select); the canonical splice donor site of the intron after coding-DNA position 2997, G replaced by C.
Molecular consequence: splice donor variant.
Genome position (GRCh38, 1-based): chr16:1,524,783, C>G on the plus strand (G>C on the coding strand, the complement: IFT140 is on the minus strand). VCF-style: chr16-1524783-C-G. GRCh37 (hg19) VCF-style: chr16-1574784-C-G.
Identifiers: ClinVar variation 2028104 (VCV002028104.4), dbSNP rs2506115448, ClinGen allele CA394226209.